The following is an entry in ClinVar:

ClinVar aggregate classification (germline): Uncertain significance (1 of 4 stars; one submission).

Submission:

Women's Health and Genetics/Laboratory Corporation of America, LabCorp
Classification: Uncertain significance. Last evaluated: 2024-04-08. Review status: criteria provided, single submitter. Criteria: LabCorp Variant Classification Summary - May 2015. Collection method: clinical testing. Allele origin: germline.
Comment: Variant summary: PBX1 c.*13C>T is located in the untranslated mRNA region downstream of the termination codon. The variant was absent in 250838 control chromosomes (gnomAD). The available data on variant occurrences in the general population are insufficient to allow any conclusion about variant significance. To our knowledge, no occurrence of c.*13C>T in individuals affected with Congenital Anomalies Of Kidney And Urinary Tract Syndrome With Or Without Hearing Loss, Abnormal Ears, Or Developmental Delay and no experimental evidence demonstrating its impact on protein function have been reported. No submitters have cited clinical-significance assessments for this variant to ClinVar. Based on the evidence outlined above, the variant was classified as uncertain significance.

NM_002585.4(PBX1):c.*13C>T

Gene: PBX1 (PBX homeobox 1; plus strand). Cytogenetic location: 1q23.3.
Variant type: single nucleotide variant.
Coding change: c.*13C>T on transcript NM_002585.4 (MANE Select); 13 bases downstream of the stop codon, C replaced by T.
Molecular consequence: 3 prime UTR variant. On other transcripts: intron variant (2).
Genome position (GRCh38, 1-based): chr1:164,846,689, C>T. VCF-style: chr1-164846689-C-T. GRCh37 (hg19) VCF-style: chr1-164815926-C-T.
Other names: c.*149C>T (NM_001204961.2); c.*13C>T (NM_001353130.1); c.*43+25063C>T (NM_001353131.2); c.1201-2651C>T (NM_001204963.2).
Identifiers: ClinVar variation 3251438 (VCV003251438.1), dbSNP rs767477540.
Genomic context (GRCh38, chr1:164,846,689, plus strand): 5'-TCCCCTACAGAAGGCCCTGGCAGTGTTCACTCTGATACCTCCAACTGATCTCCCAGCAAT[C>T]GCATCCCGGCTGACCCTGTGCCCCAGTTGGGGCAGGGGCAGGAGGGAGGGTTTCTCTCCC-3'